The following is an entry in ClinVar:

ClinVar aggregate classification (germline): Uncertain significance. Review status: criteria provided, multiple submitters, no conflicts (2 of 4 stars). 3 submissions from 3 submitters: Uncertain significance (3). Last evaluated 2026-04-02.

Conditions:
LAMA5-related disorder. Also called: LAMA5-related condition; LAMA5-Related Disorders.
Inborn genetic diseases. Identifiers: MedGen C0950123, MeSH D030342.

Allele frequency attached by ClinVar (database versions not stated): ExAC 0.00005; gnomAD 0.00006; ESP Exome Variant Server 0.00008.
gnomAD v4.1: 110 of 1,602,178 alleles (0.0069%); highest among the groups gnomAD compares: Non-Finnish European, 0.0071%; no homozygotes.

Submissions (3):

PreventionGenetics, part of Exact Sciences
Classification: Uncertain significance for LAMA5-related condition. Last evaluated: 2026-04-02. Review status: criteria provided, single submitter. Criteria: ACMG Guidelines, 2015. Collection method: clinical testing. Allele origin: germline.
Comment: The LAMA5 c.10418C>T variant is predicted to result in the amino acid substitution p.Pro3473Leu. To our knowledge, this variant has not been reported in the literature. This variant is reported in 0.020% of alleles in individuals of European (Finnish) descent in gnomAD. At this time, the clinical significance of this variant is uncertain due to the absence of conclusive functional and genetic evidence.

Ambry Genetics
Classification: Uncertain significance for Inborn genetic diseases. Last evaluated: 2025-09-25. Review status: criteria provided, single submitter. Criteria: Ambry Variant Classification Scheme 2023. Collection method: clinical testing. Allele origin: germline.

Labcorp Genetics (formerly Invitae), Labcorp
Classification: Uncertain significance. Last evaluated: 2024-10-30. Review status: criteria provided, single submitter. Criteria: Invitae Variant Classification Sherloc (09022015). Collection method: clinical testing. Allele origin: germline.
Comment: This sequence change replaces proline, which is neutral and non-polar, with leucine, which is neutral and non-polar, at codon 3473 of the LAMA5 protein (p.Pro3473Leu). This variant is present in population databases (rs375051409, gnomAD 0.02%). This variant has not been reported in the literature in individuals affected with LAMA5-related conditions. ClinVar contains an entry for this variant (Variation ID: 2416394). Invitae Evidence Modeling of protein sequence and biophysical properties (such as structural, functional, and spatial information, amino acid conservation, physicochemical variation, residue mobility, and thermodynamic stability) indicates that this missense variant is not expected to disrupt LAMA5 protein function with a negative predictive value of 80%. In summary, the available evidence is currently insufficient to determine the role of this variant in disease. Therefore, it has been classified as a Variant of Uncertain Significance.

NM_005560.6(LAMA5):c.10418C>T (p.Pro3473Leu)

Gene: LAMA5 (laminin subunit alpha 5; minus strand). Cytogenetic location: 20q13.33.
Variant type: single nucleotide variant.
Coding change: c.10418C>T on transcript NM_005560.6 (MANE Select); coding-DNA position 10418, C replaced by T.
Protein change: p.Pro3473Leu; replaces proline 3473 with leucine.
Molecular consequence: missense variant.
Genome position (GRCh38, 1-based): chr20:62,310,693, G>A on the plus strand (C>T on the coding strand, the complement: LAMA5 is on the minus strand). VCF-style: chr20-62310693-G-A. GRCh37 (hg19) VCF-style: chr20-60885749-G-A.
Other names: c.10418C>T (NM_005560.4, NM_005560.3); short protein forms P3473L.
Identifiers: ClinVar variation 2416394 (VCV002416394.7), dbSNP rs375051409, ClinGen allele CA9939805.
Genomic context (GRCh38, chr20:62,310,693, plus strand): 5'-GGGAGTGGGGGCTGGGGCAAGATGGTTCTCACCGGAAGTTTGGAGCTGTGGCTGCTGGCC[G>A]GGAGGCCGCCCACAAAGAGGGTGTGGGGCTGGGGGTGCTCTGCCCCCTGGTGCTGCCGGT-3'
Protein context (NP_005551.3, residues 3463-3483): QPHTLFVGGL[Pro3473Leu]ASSHSSKLPV